The following is an entry in ClinVar:

NM_152564.5(VPS13B):c.7151C>G (p.Pro2384Arg)

Gene: VPS13B (vacuolar protein sorting 13 homolog B; plus strand). Cytogenetic location: 8q22.2.
Variant type: single nucleotide variant.
Coding change: c.7151C>G on transcript NM_152564.5 (MANE Select); coding-DNA position 7151, C replaced by G.
Protein change: p.Pro2384Arg; replaces proline 2384 with arginine.
Molecular consequence: missense variant.
Genome position (GRCh38, 1-based): chr8:99,766,874, C>G. VCF-style: chr8-99766874-C-G. GRCh37 (hg19) VCF-style: chr8-100779102-C-G.
Other names: c.7151C>G (NM_152564.4); c.7226C>G, p.Pro2409Arg (NM_017890.5); short protein forms P2409R, P2384R.
Identifiers: ClinVar variation 908550 (VCV000908550.5), dbSNP rs183874686, ClinGen allele CA183039770.

ClinVar aggregate classification (germline): Uncertain significance. Review status: criteria provided, single submitter (1 of 4 stars). 2 submissions from 2 submitters: Uncertain significance (1). 1 of the submissions does not count toward it. Last evaluated 2018-01-13.

Conditions:
VPS13B-related disorder. Also called: VPS13B-related condition.
Cohen syndrome (COH1). Also called: Cutis verticis gyrata, retinitis pigmentosa, and sensorineural deafness; PEPPER SYNDROME. Identifiers: Orphanet 193, MedGen C0265223, MONDO:0008999, OMIM 216550.

gnomAD v4.1: 9 of 1,613,894 alleles (0.00056%); highest among the groups gnomAD compares: Non-Finnish European, 0.00076%; no homozygotes.

Submissions (2):

Illumina Laboratory Services, Illumina
Classification: Uncertain significance for Cohen syndrome. Last evaluated: 2018-01-13. Review status: criteria provided, single submitter. Criteria: ICSL Variant Classification Criteria 13 December 2019. Collection method: clinical testing. Allele origin: germline.

PreventionGenetics, part of Exact Sciences
Classification: Uncertain significance for VPS13B-related condition. Last evaluated: 2024-06-18. Review status: no assertion criteria provided. Collection method: clinical testing. Allele origin: germline. Not counted in ClinVar's aggregate classification.
Comment: The VPS13B c.7151C>G variant is predicted to result in the amino acid substitution p.Pro2384Arg. To our knowledge, this variant has not been reported in the literature. This variant is reported in 0.0018% of alleles in individuals of European (Non-Finnish) descent in gnomAD. At this time, the clinical significance of this variant is uncertain due to the absence of conclusive functional and genetic evidence.